The following is an entry in ClinVar:

NM_001458.5(FLNC):c.4092G>C (p.Leu1364Phe)

Gene: FLNC (filamin C; plus strand). Cytogenetic location: 7q32.1.
Variant type: single nucleotide variant.
Coding change: c.4092G>C on transcript NM_001458.5 (MANE Select); coding-DNA position 4092, G replaced by C.
Protein change: p.Leu1364Phe; replaces leucine 1364 with phenylalanine.
Molecular consequence: missense variant.
Genome position (GRCh38, 1-based): chr7:128,846,428, G>C. VCF-style: chr7-128846428-G-C. GRCh37 (hg19) VCF-style: chr7-128486482-G-C.
Other names: c.4092G>C, p.Leu1364Phe (NM_001127487.2); short protein forms L1364F.
Identifiers: ClinVar variation 472059 (VCV000472059.30), dbSNP rs768635501, ClinGen allele CA4475236.

ClinVar aggregate classification (germline): Conflicting classifications of pathogenicity. Review status: criteria provided, conflicting classifications (1 of 4 stars). 9 submissions from 9 submitters: Uncertain significance (6); Likely benign (3). Last evaluated 2026-09-01.

Conditions:
Cardiovascular phenotype. Identifiers: MedGen CN230736.
FLNC-related disorder. Also called: FLNC-related condition; FLNC-related disorders.
Dilated Cardiomyopathy, Dominant.
Distal myopathy with posterior leg and anterior hand involvement. Also called: WILLIAMS DISTAL MYOPATHY. Identifiers: Orphanet 63273, MedGen C3279722, MONDO:0013550, OMIM 614065.
Hypertrophic cardiomyopathy 26. Also called: Cardiomyopathy, familial hypertrophic, 26. Identifiers: Orphanet 75249, MedGen C4310749, MONDO:0014883, OMIM 617047.
Myofibrillar myopathy 5. Also called: Filaminopathy (type); FILAMINOPATHY, AUTOSOMAL DOMINANT. Identifiers: Orphanet 171445, MedGen C1836050, MONDO:0012289, OMIM 609524.

Allele frequency attached by ClinVar (database versions not stated): ExAC 0.00003; gnomAD exomes 0.00003; gnomAD 0.00005; TOPMed 0.00007.
gnomAD v4.1: 154 of 1,604,968 alleles (0.0096%); highest among the groups gnomAD compares: Non-Finnish European, 0.013%; no homozygotes.

Submissions (9):

CeGaT Center for Human Genetics Tuebingen
Classification: Likely benign. Last evaluated: 2026-09-01. Review status: criteria provided, single submitter. Criteria: CeGaT Center For Human Genetics Tuebingen Variant Classification Criteria Version 2. Collection method: clinical testing. Allele origin: germline. Affected: yes. Observed: 2 variant alleles.
Comment: FLNC: BP4

Women's Health and Genetics/Laboratory Corporation of America, LabCorp
Classification: Uncertain significance. Last evaluated: 2025-12-29. Review status: criteria provided, single submitter. Criteria: LabCorp Variant Classification Summary - May 2015. Collection method: clinical testing. Allele origin: germline.
Comment: Variant summary: FLNC c.4092G>C (p.Leu1364Phe) results in a non-conservative amino acid change in the encoded protein sequence. Algorithms developed to predict the effect of missense changes on protein structure and function are either unavailable or do not agree on the potential impact of this missense change. The variant allele was found at a frequency of 3.3e-05 in 242468 control chromosomes. The available data on variant occurrences in the general population are insufficient to allow any conclusion about variant significance. c.4092G>C has been observed as a VUS in settings of multigene panel testing in individual(s) affected with Dilated Cardiomyopathy (example, Voinescu_2024) and in a study of individual(s) affected with frontotemporal lobar degeneration (FTLD) (example, Janssens_2015). These report(s) do not provide unequivocal conclusions about association of the variant with Dilated Cardiomyopathy. To our knowledge, no experimental evidence demonstrating an impact on protein function has been reported. The following publications have been ascertained in the context of this evaluation (PMID: 26555887, 38473809). ClinVar contains an entry for this variant (Variation ID: 472059). Based on the evidence outlined above, the variant was classified as uncertain significance.

PreventionGenetics, part of Exact Sciences
Classification: Uncertain significance for FLNC-related condition. Last evaluated: 2025-10-28. Review status: criteria provided, single submitter. Criteria: ACMG Guidelines, 2015. Collection method: clinical testing. Allele origin: germline.
Comment: The FLNC c.4092G>C variant is predicted to result in the amino acid substitution p.Leu1364Phe. This variant has been reported in individuals with dilate cardiomyopathy; however, one of the individuals also carried a TTN nonsense variant that could explain the phenotypes (Table S5, Perret et al. 2024. PubMed ID: 37904629; Table S1, Voinescu et al. 2024. PubMed ID: 38473809). This variant is reported in 0.0062% of alleles in individuals of European (Non-Finnish) descent in gnomAD. At this time, the clinical significance of this variant is uncertain due to the absence of conclusive functional and genetic evidence.

Ambry Genetics
Classification: Uncertain significance for Cardiovascular phenotype. Last evaluated: 2025-01-20. Review status: criteria provided, single submitter. Criteria: Ambry Variant Classification Scheme 2023. Collection method: clinical testing. Allele origin: germline.
Comment: The p.L1364F variant (also known as c.4092G>C), located in coding exon 23 of the FLNC gene, results from a G to C substitution at nucleotide position 4092. The leucine at codon 1364 is replaced by phenylalanine, an amino acid with highly similar properties. This variant was reported in individual(s) with features consistent with hypertrophic and dilated cardiomyopathy (Perret C et al. Clin Genet. 2024 Feb;105(2):185-189; Ambry internal data). This amino acid position is well conserved in available vertebrate species. In addition, this alteration is predicted to be tolerated by in silico analysis. Based on the available evidence, the clinical significance of this variant remains unclear.

Labcorp Genetics (formerly Invitae), Labcorp
Classification: Uncertain significance for Distal myopathy with posterior leg and anterior hand involvement; Myofibrillar myopathy 5; Hypertrophic cardiomyopathy 26. Last evaluated: 2025-01-20. Review status: criteria provided, single submitter. Criteria: Invitae Variant Classification Sherloc (09022015). Collection method: clinical testing. Allele origin: germline.
Comment: This sequence change replaces leucine, which is neutral and non-polar, with phenylalanine, which is neutral and non-polar, at codon 1364 of the FLNC protein (p.Leu1364Phe). The frequency data for this variant in the population databases is considered unreliable, as metrics indicate poor data quality at this position in the gnomAD database. This missense change has been observed in individual(s) with frontotemporal dementia (PMID: 26555887). ClinVar contains an entry for this variant (Variation ID: 472059). Invitae Evidence Modeling of protein sequence and biophysical properties (such as structural, functional, and spatial information, amino acid conservation, physicochemical variation, residue mobility, and thermodynamic stability) has been performed for this missense variant. However, the output from this modeling did not meet the statistical confidence thresholds required to predict the impact of this variant on FLNC protein function. In summary, the available evidence is currently insufficient to determine the role of this variant in disease. Therefore, it has been classified as a Variant of Uncertain Significance.

Blueprint Genetics
Classification: Likely benign. Last evaluated: 2024-10-31. Review status: criteria provided, single submitter. Criteria: ACMG Guidelines, 2015. Collection method: clinical testing. Allele origin: germline.

ARUP Laboratories, Molecular Genetics and Genomics, ARUP Laboratories
Classification: Uncertain significance. Last evaluated: 2024-08-20. Review status: criteria provided, single submitter. Criteria: ARUP Molecular Germline Variant Investigation Process 2024. Collection method: clinical testing. Allele origin: germline.
Comment: The FLNC c.4092G>C; p.Leu1364Phe variant (rs768635501) is reported in the literature in an individual affected with frontotemporal dementia (Janssens 2015) but has not been reported in association with cardiac disease, to our knowledge. This variant is found in the non-Finnish European population with an allele frequency of 0.006% (8/128,076 alleles) in the Genome Aggregation Database (v2.1.1). Computational analyses are uncertain whether this variant is neutral or deleterious (REVEL: 0.244). Due to limited information, the clinical significance of this variant is uncertain at this time. References: Janssens J et al. Investigating the role of filamin C in Belgian patients with frontotemporal dementia linked to GRN deficiency in FTLD-TDP brains. Acta Neuropathol Commun. 2015 Nov 10;3:68. PMID: 26555887.

GeneDx
Classification: Likely benign. Last evaluated: 2021-04-06. Review status: criteria provided, single submitter. Criteria: GeneDx Variant Classification Process June 2021. Collection method: clinical testing. Allele origin: germline. Affected: yes.
Comment: In silico analysis supports that this missense variant does not alter protein structure/function; This variant is associated with the following publications: (PMID: 26555887)

Revvity Omics, Revvity
Classification: Uncertain significance. Last evaluated: 2021-01-17. Review status: criteria provided, single submitter. Criteria: ACMG Guidelines, 2015. Collection method: clinical testing. Allele origin: germline.

Literature cited by the submitters: PubMed 38473809 (cited by Women's Health and Genetics/Laboratory Corporation of America, LabCorp and Ambry Genetics); PubMed 26555887 (cited by 3 submitters); PubMed 37904629 (cited by Ambry Genetics).